The following is an entry in ClinVar:

ClinVar aggregate classification (germline): Likely benign. Review status: criteria provided, multiple submitters, no conflicts (2 of 4 stars). 2 submissions from 2 submitters: Likely benign (2). Last evaluated 2026-02-01.

Submissions (2):

CeGaT Center for Human Genetics Tuebingen
Classification: Likely benign. Last evaluated: 2026-02-01. Review status: criteria provided, single submitter. Criteria: CeGaT Center For Human Genetics Tuebingen Variant Classification Criteria Version 2. Collection method: clinical testing. Allele origin: germline. Affected: yes. Observed: 2 variant alleles.
Comment: SORD: BP4, BP7

Mayo Clinic Laboratories, Mayo Clinic
Classification: Likely benign. Last evaluated: 2025-07-03. Review status: criteria provided, single submitter. Criteria: ACMG Guidelines, 2015. Collection method: clinical testing. Allele origin: germline. Observed: 2 variant alleles.
Comment: BP4, BP7

NM_003104.6(SORD):c.285G>A (p.Glu95=)

Gene: SORD (sorbitol dehydrogenase; plus strand). Cytogenetic location: 15q21.1.
Variant type: single nucleotide variant.
Coding change: c.285G>A on transcript NM_003104.6 (MANE Select); coding-DNA position 285, G replaced by A.
Protein change: p.Glu95=; no amino-acid change (glutamic acid 95 retained).
Molecular consequence: synonymous variant. On other transcripts: non-coding transcript variant (1).
Genome position (GRCh38, 1-based): chr15:45,061,086, G>A. VCF-style: chr15-45061086-G-A. GRCh37 (hg19) VCF-style: chr15-45353284-G-A.
Other names: p.Glu95=.
Identifiers: ClinVar variation 4683973 (VCV004683973.5).